The following is an entry in ClinVar:

NM_001367624.2(ZNF469):c.7001C>T (p.Thr2334Ile)

Gene: ZNF469 (zinc finger protein 469; plus strand). Cytogenetic location: 16q24.2.
Variant type: single nucleotide variant.
Coding change: c.7001C>T on transcript NM_001367624.2 (MANE Select); coding-DNA position 7001, C replaced by T.
Protein change: p.Thr2334Ile; replaces threonine 2334 with isoleucine.
Molecular consequence: missense variant.
Genome position (GRCh38, 1-based): chr16:88,434,471, C>T. VCF-style: chr16-88434471-C-T. GRCh37 (hg19) VCF-style: chr16-88500879-C-T.
Other names: NM_001127464.1:c.6917C>T; short protein forms T2334I.
Identifiers: ClinVar variation 3821141 (VCV003821141.1).

ClinVar aggregate classification (germline): Uncertain significance (1 of 4 stars; one submission).

Conditions:
Cardiovascular phenotype. Identifiers: MedGen CN230736.

gnomAD v4.1: 1 of 1,549,948 alleles (0.000065%); highest among the groups gnomAD compares: Middle Eastern, 0.017%; no homozygotes.

Submission:

Ambry Genetics
Classification: Uncertain significance for Cardiovascular phenotype. Last evaluated: 2025-02-06. Review status: criteria provided, single submitter. Criteria: Ambry Variant Classification Scheme 2023. Collection method: clinical testing. Allele origin: germline.
Comment: The p.T2306I variant (also known as c.6917C>T), located in coding exon 2 of the ZNF469 gene, results from a C to T substitution at nucleotide position 6917. The threonine at codon 2306 is replaced by isoleucine, an amino acid with similar properties. This amino acid position is conserved. In addition, this alteration is predicted to be tolerated by in silico analysis. Based on the available evidence, the clinical significance of this variant remains unclear.